The following is an entry in ClinVar:

NM_021020.5(LZTS1):c.598G>A (p.Val200Met)

Gene: LZTS1 (leucine zipper tumor suppressor 1; minus strand). Cytogenetic location: 8p21.3.
Variant type: single nucleotide variant.
Coding change: c.598G>A on transcript NM_021020.5 (MANE Select); coding-DNA position 598, G replaced by A.
Protein change: p.Val200Met; replaces valine 200 with methionine.
Molecular consequence: missense variant.
Genome position (GRCh38, 1-based): chr8:20,253,333, C>T on the plus strand (G>A on the coding strand, the complement: LZTS1 is on the minus strand). VCF-style: chr8-20253333-C-T. GRCh37 (hg19) VCF-style: chr8-20110844-C-T.
Other names: c.598G>A, p.Val200Met (NM_001362884.2); short protein forms V200M.
Identifiers: ClinVar variation 2700022 (VCV002700022.3), dbSNP rs762386540, ClinGen allele CA4657487.

ClinVar aggregate classification (germline): Uncertain significance (1 of 4 stars; one submission).

Allele frequency attached by ClinVar (database versions not stated): gnomAD 0.00001; ExAC 0.00002; gnomAD exomes 0.00002.

Submission:

Labcorp Genetics (formerly Invitae), Labcorp
Classification: Uncertain significance. Last evaluated: 2025-01-20. Review status: criteria provided, single submitter. Criteria: Invitae Variant Classification Sherloc (09022015). Collection method: clinical testing. Allele origin: germline.
Comment: This sequence change replaces valine, which is neutral and non-polar, with methionine, which is neutral and non-polar, at codon 200 of the LZTS1 protein (p.Val200Met). This variant is present in population databases (rs762386540, gnomAD 0.01%). This variant has not been reported in the literature in individuals affected with LZTS1-related conditions. ClinVar contains an entry for this variant (Variation ID: 2700022). Invitae Evidence Modeling of protein sequence and biophysical properties (such as structural, functional, and spatial information, amino acid conservation, physicochemical variation, residue mobility, and thermodynamic stability) indicates that this missense variant is not expected to disrupt LZTS1 protein function with a negative predictive value of 80%. In summary, the available evidence is currently insufficient to determine the role of this variant in disease. Therefore, it has been classified as a Variant of Uncertain Significance.